The following is an entry in ClinVar:

ClinVar aggregate classification (germline): Likely benign (1 of 4 stars; one submission).

gnomAD v4.1: 121 of 1,606,908 alleles (0.0075%); highest among the groups gnomAD compares: East Asian, 0.23%; 1 homozygote.

Submission:

Mayo Clinic Laboratories, Mayo Clinic
Classification: Likely benign. Last evaluated: 2025-04-02. Review status: criteria provided, single submitter. Criteria: ACMG Guidelines, 2015. Collection method: clinical testing. Allele origin: germline. Observed: 2 variant alleles.
Comment: BS1, BP4, BP7

NM_000293.3(PHKB):c.2765+26A>G

Gene: PHKB (phosphorylase kinase regulatory subunit beta; plus strand). Cytogenetic location: 16q12.1.
Variant type: single nucleotide variant.
Coding change: c.2765+26A>G on transcript NM_000293.3 (MANE Select); 26 bases into the intron after coding-DNA position 2765, A replaced by G.
Molecular consequence: intron variant.
Genome position (GRCh38, 1-based): chr16:47,689,201, A>G. VCF-style: chr16-47689201-A-G. GRCh37 (hg19) VCF-style: chr16-47723112-A-G.
Other names: p.?; c.2765+26A>G (NM_001363837.1); c.2744+26A>G (NM_001031835.3).
Identifiers: ClinVar variation 4684098 (VCV004684098.1).